The following is an entry in ClinVar:

NM_000396.4(CTSK):c.368dup (p.Lys124fs)

Gene: CTSK (cathepsin K; minus strand). Cytogenetic location: 1q21.3.
Variant type: Duplication.
Coding change: c.368dup on transcript NM_000396.4 (MANE Select); coding-DNA position 368, one base duplicated (A; older notation c.368dupA).
Protein change: p.Lys124fs; shifts the reading frame from lysine 124.
Molecular consequence: frameshift variant.
Genome position (GRCh38, 1-based): chr1:150,805,892, T duplicated on the plus strand (A on the coding strand, the reverse complement: CTSK is on the minus strand); the first of 3 consecutive T bases (chr1:150,805,892-150,805,894); duplicating any one gives the same sequence. VCF-style (leftmost placement, unchanged base first): chr1-150805891-C-CT. GRCh37 (hg19) VCF-style: chr1-150778367-C-CT.
Other names: short protein forms K124fs.
Identifiers: ClinVar variation 5012028 (VCV005012028.1).

ClinVar aggregate classification (germline): Pathogenic (1 of 4 stars; one submission).

Conditions:
Pyknodysostosis. Also called: Pycnodysostosis. Identifiers: Orphanet 763, MedGen C0238402, MONDO:0009940, OMIM 265800.

Submission:

Myriad Genetics, Inc.
Classification: Pathogenic for Pyknodysostosis. Last evaluated: 2023-09-27. Review status: criteria provided, single submitter. Criteria: Myriad Autosomal Dominant, Autosomal Recessive and X-Linked Classification Criteria (2023). Collection method: clinical testing. Allele origin: unknown.
Comment: NM_000396.3(CTSK):c.368dupA(K124Efs*20) is expected to be pathogenic in the context of pycnodysostosis. This variant is predicted to lead to an abnormal or absent protein product due to the creation of a premature termination codon in CTSK, a gene where loss-of-function variants are known to be pathogenic. Please note: this variant was assessed in the context of healthy population screening.